The following is an entry in ClinVar:

NM_203447.4(DOCK8):c.539G>A (p.Arg180His)

Gene: DOCK8 (dedicator of cytokinesis 8; plus strand). Cytogenetic location: 9p24.3.
Variant type: single nucleotide variant.
Coding change: c.539G>A on transcript NM_203447.4 (MANE Select); coding-DNA position 539, G replaced by A.
Protein change: p.Arg180His; replaces arginine 180 with histidine.
Molecular consequence: missense variant.
Genome position (GRCh38, 1-based): chr9:311,964, G>A. VCF-style: chr9-311964-G-A. GRCh37 (hg19) VCF-style: chr9-311964-G-A.
Other names: c.335G>A, p.Arg112His (NM_001190458.2, NM_001193536.2); short protein forms R180H, R112H.
Identifiers: ClinVar variation 571149 (VCV000571149.8), dbSNP rs369412510, ClinGen allele CA4957309.

ClinVar aggregate classification (germline): Uncertain significance (1 of 4 stars; one submission).

Conditions:
Combined immunodeficiency due to DOCK8 deficiency (HIES2). Also called: HIES autosomal recessive; DOCK8 Deficiency; HYPER-IgE RECURRENT INFECTION SYNDROME 2, AUTOSOMAL RECESSIVE; Hyper-IgE recurrent infection syndrome, autosomal recessive; HYPER-IgE SYNDROME 2, AUTOSOMAL RECESSIVE, WITH RECURRENT INFECTIONS. Identifiers: Orphanet 217390, MedGen C4722305, MONDO:0009478, OMIM 243700.

Allele frequency attached by ClinVar (database versions not stated): TOPMed 0.00005; gnomAD exomes 0.00006; gnomAD 0.00011 and 0.00013; ESP Exome Variant Server 0.00015; 1000 Genomes Project 30x 0.00078; 1000 Genomes Project 0.00080.
gnomAD v4.1: 104 of 1,613,810 alleles (0.0064%); highest among the groups gnomAD compares: Middle Eastern, 0.033%; no homozygotes.

Submission:

Labcorp Genetics (formerly Invitae), Labcorp
Classification: Uncertain significance for Combined immunodeficiency due to DOCK8 deficiency. Last evaluated: 2025-04-01. Review status: criteria provided, single submitter. Criteria: Invitae Variant Classification Sherloc (09022015). Collection method: clinical testing. Allele origin: germline.
Comment: This sequence change replaces arginine, which is basic and polar, with histidine, which is basic and polar, at codon 180 of the DOCK8 protein (p.Arg180His). This variant is present in population databases (rs369412510, gnomAD 0.07%). This variant has not been reported in the literature in individuals affected with DOCK8-related conditions. ClinVar contains an entry for this variant (Variation ID: 571149). Invitae Evidence Modeling of protein sequence and biophysical properties (such as structural, functional, and spatial information, amino acid conservation, physicochemical variation, residue mobility, and thermodynamic stability) indicates that this missense variant is not expected to disrupt DOCK8 protein function with a negative predictive value of 80%. In summary, the available evidence is currently insufficient to determine the role of this variant in disease. Therefore, it has been classified as a Variant of Uncertain Significance.